The following is an entry in ClinVar:

NM_007294.4(BRCA1):c.4185+2_4185+21del

Gene: BRCA1 (BRCA1 DNA repair associated; minus strand). Cytogenetic location: 17q21.31.
Variant type: Deletion.
Coding change: c.4185+2_4185+21del on transcript NM_007294.4 (MANE Select); the canonical splice donor site of the intron after coding-DNA position 4185 through 21 bases into the intron after coding-DNA position 4185, 20 bases deleted (TAAAAAGCGTGTGTGTGTGT).
Molecular consequence: splice donor variant.
Genome position (GRCh38, 1-based): chr17:43,090,923-43,090,942, ACACACACACACGCTTTTTA deleted on the plus strand (TAAAAAGCGTGTGTGTGTGT on the coding strand, the reverse complement: BRCA1 is on the minus strand). VCF-style (leftmost placement, unchanged base first): chr17-43090922-CACACACACACACGCTTTTTA-C. GRCh37 (hg19) VCF-style: chr17-41242939-CACACACACACACGCTTTTTA-C.
Other names: c.735+2_735+21del (NM_001408458.1, NM_001408469.1, NM_001408453.1 and 11 more transcripts); c.3297+2_3297+21del (NM_001407967.1, NM_001407966.1); c.3804+2_3804+21del (NM_001407959.1, NM_001407963.1, NM_001407960.1); c.3918+2_3918+21del (NM_001407931.1, NM_001407932.1, NM_001407934.1 and 2 more transcripts); c.4041+2_4041+21del (NM_001407747.1, NM_001407848.1, NM_001407839.1 and 20 more transcripts); c.3801+2_3801+21del (NM_001407962.1); c.372+2_372+21del (NM_001408512.1); c.495+2_495+21del (NM_001408510.1); and 41 more.
Identifiers: ClinVar variation 1192255 (VCV001192255.2), dbSNP rs2154249606, ClinGen allele CA2499224432.

ClinVar aggregate classification (germline): Likely pathogenic (1 of 4 stars; one submission).

Conditions:
Hereditary breast ovarian cancer syndrome. Also called: Hereditary breast and ovarian cancer syndrome; Breast and ovarian cancer; Hereditary breast and ovarian cancer syndrome (HBOC); Hereditary breast and/or ovarian cancer syndrome; BRCA1- and BRCA2-Associated Hereditary Breast and Ovarian Cancer; Hereditary breast and ovarian cancer. Identifiers: Orphanet 145, MedGen C0677776, MeSH D061325, MONDO:0003582. Disease mechanism: loss of function.

Submission:

Women's Health and Genetics/Laboratory Corporation of America, LabCorp
Classification: Likely pathogenic for Hereditary breast ovarian cancer syndrome. Last evaluated: 2021-07-19. Review status: criteria provided, single submitter. Criteria: LabCorp Variant Classification Summary - May 2015. Collection method: clinical testing. Allele origin: germline.
Comment: Variant summary: BRCA1 c.4185+2_4185+21del20 is located in a canonical splice-site and is predicted to affect mRNA splicing resulting in a significantly altered protein due to either exon skipping, shortening, or inclusion of intronic material. Several computational tools predict a significant impact on normal splicing: Four predict the variant abolishes the canonical 5' splicing donor site. However, these predictions have yet to be confirmed by functional studies. The variant was absent in 208254 control chromosomes. To our knowledge, no occurrence of c.4185+2_4185+21del20 in individuals affected with Hereditary Breast And Ovarian Cancer Syndrome and no experimental evidence demonstrating its impact on protein function have been reported. No clinical diagnostic laboratories have submitted clinical-significance assessments for this variant to ClinVar after 2014. Based on the evidence outlined above, the variant was classified as likely pathogenic.